The following is an entry in ClinVar:

NC_000013.10:g.(?_32953434)_(32972907_?)dup

Gene: BRCA2 (BRCA2 DNA repair associated; plus strand). Cytogenetic location: 13q13.1.
Variant type: Duplication.
Identifiers: ClinVar variation 1371998 (VCV001371998.7).

ClinVar aggregate classification (germline): Uncertain significance (1 of 4 stars; one submission).

Conditions:
Hereditary breast ovarian cancer syndrome. Also called: BRCA1- and BRCA2-Associated Hereditary Breast and Ovarian Cancer; Hereditary breast and ovarian cancer; Hereditary breast and ovarian cancer syndrome; Hereditary breast and/or ovarian cancer syndrome; Hereditary breast and ovarian cancer syndrome (HBOC); Breast and ovarian cancer. Identifiers: Orphanet 145, MedGen C0677776, MeSH D061325, MONDO:0003582. Disease mechanism: loss of function.

Submission:

Labcorp Genetics (formerly Invitae), Labcorp
Classification: Uncertain significance for Hereditary breast ovarian cancer syndrome. Last evaluated: 2023-08-14. Review status: criteria provided, single submitter. Criteria: Invitae Variant Classification Sherloc (09022015). Collection method: clinical testing. Allele origin: germline.
Comment: In summary, the available evidence is currently insufficient to determine the role of this variant in disease. Therefore, it has been classified as a Variant of Uncertain Significance. Experimental studies and prediction algorithms are not available or were not evaluated, and the functional significance of this variant is currently unknown. This variant results in a copy number gain of the genomic region encompassing exon(s) 22-27 of the BRCA2 gene. This region includes the termination codon of the gene. This copy number gain extends beyond the assayed region for this gene and therefore may encompass additional genes. As the precise location of this event is unknown, it may be in tandem or it may be located elsewhere in the genome. This variant has not been reported in the literature in individuals affected with BRCA2-related conditions.